The following is an entry in ClinVar:

NM_194454.3(KRIT1):c.846-15C>T

Gene: KRIT1 (KRIT1 ankyrin repeat containing; minus strand). Cytogenetic location: 7q21.2.
Variant type: single nucleotide variant.
Coding change: c.846-15C>T on transcript NM_194454.3 (MANE Select); 15 bases into the intron before coding-DNA position 846, C replaced by T.
Molecular consequence: intron variant.
Genome position (GRCh38, 1-based): chr7:92,234,607, G>A on the plus strand (C>T on the coding strand, the complement: KRIT1 is on the minus strand). VCF-style: chr7-92234607-G-A. GRCh37 (hg19) VCF-style: chr7-91863921-G-A.
Other names: c.846-15C>T (NM_001350672.1, NM_001350676.1, NM_001350673.1 and 26 more transcripts); c.845+201C>T (NM_001350669.1, NM_001013406.2, NM_001350670.1); c.132-15C>T (NM_001350671.1).
Identifiers: ClinVar variation 911388 (VCV000911388.4), dbSNP rs527439925, ClinGen allele CA4339278.

ClinVar aggregate classification (germline): Conflicting classifications of pathogenicity. Review status: criteria provided, conflicting classifications (1 of 4 stars). 2 submissions from 1 submitter: Uncertain significance (1); Benign (1). Last evaluated 2018-01-12.

Conditions:
Angiokeratoma corporis diffusum with arteriovenous fistulas. Identifiers: MedGen C1838141, MONDO:0010885, OMIM 600419.
Cerebral cavernous malformation (CCM). Also called: CAVERNOUS ANGIOMA, FAMILIAL; CAVERNOUS ANGIOMATOUS MALFORMATIONS; CEREBRAL CAPILLARY MALFORMATIONS; Cerebral cavernous malformations; Cavernous Hemangioma of Brain; Cerebral cavernous hemangioma (type). Identifiers: Orphanet 221061, MedGen C2919945, MONDO:0000820, OMIM 116860, HP:0033522.

Allele frequency attached by ClinVar (database versions not stated): ExAC 0.00002; gnomAD 0.00003 and 0.00004; TOPMed 0.00006; 1000 Genomes Project 30x 0.00016; 1000 Genomes Project 0.00020.
gnomAD v4.1: 9 of 1,606,906 alleles (0.00056%); highest among the groups gnomAD compares: African/African-American, 0.0053%; no homozygotes.

Submissions (2):

Illumina Laboratory Services, Illumina
Classification: Benign for Angiokeratoma corporis diffusum with arteriovenous fistulas. Last evaluated: 2018-01-12. Review status: criteria provided, single submitter. Criteria: ICSL Variant Classification Criteria 13 December 2019. Collection method: clinical testing. Allele origin: germline.
Comment: This variant was observed in the ICSL laboratory as part of a predisposition screen in an ostensibly healthy population. It had not been previously curated by ICSL or reported in the Human Gene Mutation Database (HGMD: prior to June 1st, 2018), and was therefore a candidate for classification through an automated scoring system. Utilizing variant allele frequency, disease prevalence and penetrance estimates, and inheritance mode, an automated score was calculated to assess if this variant is too frequent to cause the disease. Based on the score and internal cut-off values, a variant classified as benign is not then subjected to further curation. The score for this variant resulted in a classification of benign for this disease.

Illumina Laboratory Services, Illumina
Classification: Uncertain significance for Cerebral cavernous malformation. Last evaluated: 2018-01-12. Review status: criteria provided, single submitter. Criteria: ICSL Variant Classification Criteria 13 December 2019. Collection method: clinical testing. Allele origin: germline.